The following is an entry in ClinVar:

NM_001376.5(DYNC1H1):c.3275C>T (p.Thr1092Ile)

Gene: DYNC1H1 (dynein cytoplasmic 1 heavy chain 1; plus strand). Cytogenetic location: 14q32.31.
Variant type: single nucleotide variant.
Coding change: c.3275C>T on transcript NM_001376.5 (MANE Select); coding-DNA position 3275, C replaced by T.
Protein change: p.Thr1092Ile; replaces threonine 1092 with isoleucine.
Molecular consequence: missense variant.
Genome position (GRCh38, 1-based): chr14:101,994,791, C>T. VCF-style: chr14-101994791-C-T. GRCh37 (hg19) VCF-style: chr14-102461128-C-T.
Other names: short protein forms T1092I.
Identifiers: ClinVar variation 2577586 (VCV002577586.1), dbSNP rs2048039172, ClinGen allele CA391033262.

ClinVar aggregate classification (germline): Uncertain significance (1 of 4 stars; one submission).

Allele frequency attached by ClinVar (database versions not stated): gnomAD exomes below 0.00001; TOPMed below 0.00001; gnomAD 0.00001.
gnomAD v4.1: 3 of 1,614,034 alleles (0.00019%); highest among the groups gnomAD compares: Non-Finnish European, 0.00017%; no homozygotes.

Submission:

GeneDx
Classification: Uncertain significance. Last evaluated: 2023-02-26. Review status: criteria provided, single submitter. Criteria: GeneDx Variant Classification Process June 2021. Collection method: clinical testing. Allele origin: germline. Affected: yes.
Comment: Observed in an individual with Charcot-Marie-Tooth disease (CMT) in published literature (Volodarsky et al., 2021); Not observed at significant frequency in large population cohorts (gnomAD); In silico analysis supports that this missense variant has a deleterious effect on protein structure/function; This variant is associated with the following publications: (PMID: 26100331, 25512093, 25609763, 32376792)